The following is an entry in ClinVar:

NM_005618.4(DLL1):c.515A>G (p.Lys172Arg)

Gene: DLL1 (delta like canonical Notch ligand 1; minus strand). Cytogenetic location: 6q27.
Variant type: single nucleotide variant.
Coding change: c.515A>G on transcript NM_005618.4 (MANE Select); coding-DNA position 515, A replaced by G.
Protein change: p.Lys172Arg; replaces lysine 172 with arginine.
Molecular consequence: missense variant.
Genome position (GRCh38, 1-based): chr6:170,288,394, T>C on the plus strand (A>G on the coding strand, the complement: DLL1 is on the minus strand). VCF-style: chr6-170288394-T-C. GRCh37 (hg19) VCF-style: chr6-170597482-T-C.
Other names: short protein forms K172R.
Identifiers: ClinVar variation 1878299 (VCV001878299.26), dbSNP rs2483358297, ClinGen allele CA366509404.

ClinVar aggregate classification (germline): Conflicting classifications of pathogenicity. Review status: criteria provided, conflicting classifications (1 of 4 stars). 3 submissions from 3 submitters: Likely pathogenic (1); Uncertain significance (2). Last evaluated 2024-02-01.

Conditions:
Neurodevelopmental disorder with nonspecific brain abnormalities and with or without seizures. Identifiers: MedGen C5231470, MONDO:0032877, OMIM 618709.

Submissions (3):

Neuberg Centre For Genomic Medicine, NCGM
Classification: Likely pathogenic for Neurodevelopmental disorder with nonspecific brain abnormalities and with or without seizures. Last evaluated: 2024-02-01. Review status: criteria provided, single submitter. Criteria: ACMG Guidelines, 2015. Collection method: clinical testing. Allele origin: germline. Inheritance: Autosomal dominant inheritance. Affected: yes.
Comment: The observed missense variant c.515A>G(p.Lys172Arg) in DLL1 gene has not been reported previously as a pathogenic variant nor as a benign variant, to our knowledge. This variant is absent in gnomAD Exomes. It is a denovo variant. This variant meets the criteria of PS2 (denovo), PM2 (Absent from controls) and PP3 (Computational evidence support deleterious effect). For these reasons, this variant has been classified as Likely Pathogenic

CeGaT Center for Human Genetics Tuebingen
Classification: Uncertain significance. Last evaluated: 2023-01-01. Review status: criteria provided, single submitter. Criteria: CeGaT Center For Human Genetics Tuebingen Variant Classification Criteria Version 2. Collection method: clinical testing. Allele origin: germline. Affected: yes. Observed: 1 variant allele.
Comment: DLL1: PM2, PP3, BP1

Women's Health and Genetics/Laboratory Corporation of America, LabCorp
Classification: Uncertain significance. Last evaluated: 2022-12-14. Review status: criteria provided, single submitter. Criteria: LabCorp Variant Classification Summary - May 2015. Collection method: clinical testing. Allele origin: germline.
Comment: Variant summary: DLL1 c.515A>G (p.Lys172Arg) results in a conservative amino acid change located in the Delta/Serrate/lag-2 (DSL) protein (IPR001774) of the encoded protein sequence. Four of five in-silico tools predict a benign effect of the variant on protein function. The variant was absent in 251286 control chromosomes. The available data on variant occurrences in the general population are insufficient to allow any conclusion about variant significance. To our knowledge, no occurrence of c.515A>G in individuals affected with Neurodevelopmental Disorder With Nonspecific Brain Abnormalities And With Or Without Seizures and no experimental evidence demonstrating its impact on protein function have been reported. No clinical diagnostic laboratories have submitted clinical-significance assessments for this variant to ClinVar after 2014. Based on the evidence outlined above, the variant was classified as uncertain significance.